The following is an entry in ClinVar:

ClinVar aggregate classification (germline): Uncertain significance. Review status: criteria provided, multiple submitters, no conflicts (2 of 4 stars). 4 submissions from 4 submitters: Uncertain significance (4). Last evaluated 2025-02-10.

Conditions:
Aortic aneurysm, familial thoracic 7 (AAT7). Also called: AORTIC DISSECTION, FAMILIAL, WITH OR WITHOUT AORTIC ANEURYSM. Identifiers: MedGen C3151077, MONDO:0013418, OMIM 613780.
Familial thoracic aortic aneurysm and aortic dissection (TAAD). Also called: Thoracic aortic aneurysms and dissections. Identifiers: Orphanet 91387, MedGen C4707243, MONDO:0019625.

Submissions (4):

Ambry Genetics
Classification: Uncertain significance for Familial thoracic aortic aneurysm and aortic dissection. Last evaluated: 2025-02-10. Review status: criteria provided, single submitter. Criteria: Ambry Variant Classification Scheme 2023. Collection method: clinical testing. Allele origin: germline.
Comment: The p.V836F variant (also known as c.2506G>T), located in coding exon 15 of the MYLK gene, results from a G to T substitution at nucleotide position 2506. The valine at codon 836 is replaced by phenylalanine, an amino acid with highly similar properties. This amino acid position is conserved. In addition, this alteration is predicted to be tolerated by in silico analysis. Based on the available evidence, the clinical significance of this variant remains unclear.

Labcorp Genetics (formerly Invitae), Labcorp
Classification: Uncertain significance for Aortic aneurysm, familial thoracic 7. Last evaluated: 2024-11-06. Review status: criteria provided, single submitter. Criteria: Invitae Variant Classification Sherloc (09022015). Collection method: clinical testing. Allele origin: germline.
Comment: This sequence change replaces valine, which is neutral and non-polar, with phenylalanine, which is neutral and non-polar, at codon 836 of the MYLK protein (p.Val836Phe). This variant is not present in population databases (gnomAD no frequency). This variant has not been reported in the literature in individuals affected with MYLK-related conditions. ClinVar contains an entry for this variant (Variation ID: 1520524). Invitae Evidence Modeling of protein sequence and biophysical properties (such as structural, functional, and spatial information, amino acid conservation, physicochemical variation, residue mobility, and thermodynamic stability) indicates that this missense variant is not expected to disrupt MYLK protein function with a negative predictive value of 95%. In summary, the available evidence is currently insufficient to determine the role of this variant in disease. Therefore, it has been classified as a Variant of Uncertain Significance.

ARUP Laboratories, Molecular Genetics and Genomics, ARUP Laboratories
Classification: Uncertain significance. Last evaluated: 2023-12-12. Review status: criteria provided, single submitter. Criteria: ARUP Molecular Germline Variant Investigation Process 2024. Collection method: clinical testing. Allele origin: germline.
Comment: The MYLK c.2506G>T; p.Val836Phe variant (rs1164306894), to our knowledge, is not reported in the medical literature but is reported in ClinVar (Variation ID: 1520524). This variant is absent from the Genome Aggregation Database (v2.1.1), indicating it is not a common polymorphism. Computational analyses predict that this variant is neutral (REVEL: 0.051). Due to limited information, the clinical significance of this variant is uncertain at this time.

MGZ Medical Genetics Center
Classification: Uncertain significance for Aortic aneurysm, familial thoracic 7. Last evaluated: 2021-07-14. Review status: criteria provided, single submitter. Criteria: ACMG Guidelines, 2015. Collection method: clinical testing. Allele origin: germline. Affected: yes. Observed: 1 variant allele.
Comment: ACMG criteria applied: PM2_SUP, BP4

NM_053025.4(MYLK):c.2506G>T (p.Val836Phe)

Gene: MYLK (myosin light chain kinase; minus strand). Cytogenetic location: 3q21.1.
Variant type: single nucleotide variant.
Coding change: c.2506G>T on transcript NM_053025.4 (MANE Select); coding-DNA position 2506, G replaced by T.
Protein change: p.Val836Phe; replaces valine 836 with phenylalanine.
Molecular consequence: missense variant.
Genome position (GRCh38, 1-based): chr3:123,700,962, C>A on the plus strand (G>T on the coding strand, the complement: MYLK is on the minus strand). VCF-style: chr3-123700962-C-A. GRCh37 (hg19) VCF-style: chr3-123419809-C-A.
Other names: c.1978G>T, p.Val660Phe (NM_001321309.2); c.2299G>T, p.Val767Phe (NM_053026.4, NM_053028.4); c.2506G>T, p.Val836Phe (NM_053027.4); c.2506G>T (NM_053025.3); short protein forms V836F, V660F, V767F.
Identifiers: ClinVar variation 1520524 (VCV001520524.12), dbSNP rs1164306894, ClinGen allele CA354232516.
Genomic context (GRCh38, chr3:123,700,962, plus strand): 5'-TTGCTGGCCAGCCAGGCCTCAGGGACCCATAGCGGTCACTACCACCACCATCAGCACCAA[C>A]TCCTCCACCACAGAGGTCCTCGCAGCTGGCAGGCTCCCTCCCCCTGCAACCAGTGTAGGG-3'
Protein context (NP_444253.3, residues 826-846): ASCEDLCGGG[Val836Phe]GADGGGSDRY